The following is an entry in ClinVar:

NM_001572.5(IRF7):c.22G>A (p.Ala8Thr)

Gene: IRF7 (interferon regulatory factor 7; minus strand). Cytogenetic location: 11p15.5.
Variant type: single nucleotide variant.
Coding change: c.22G>A on transcript NM_001572.5 (MANE Select); coding-DNA position 22, G replaced by A.
Protein change: p.Ala8Thr; replaces alanine 8 with threonine.
Molecular consequence: missense variant.
Genome position (GRCh38, 1-based): chr11:615,258, C>T on the plus strand (G>A on the coding strand, the complement: IRF7 is on the minus strand). VCF-style: chr11-615258-C-T. GRCh37 (hg19) VCF-style: chr11-615258-C-T.
Other names: c.22G>A, p.Ala8Thr (NM_004029.4); c.61G>A, p.Ala21Thr (NM_004031.4); short protein forms A21T, A8T.
Identifiers: ClinVar variation 1465625 (VCV001465625.8), dbSNP rs759529456, ClinGen allele CA5784113.

ClinVar aggregate classification (germline): Uncertain significance (1 of 4 stars; one submission).

Conditions:
Immunodeficiency 39 (IMD39). Identifiers: Orphanet 574918, MedGen C4225358, MONDO:0014597, OMIM 616345.

Allele frequency attached by ClinVar (database versions not stated): TOPMed below 0.00001; gnomAD exomes 0.00001; ExAC 0.00002.

Submission:

Labcorp Genetics (formerly Invitae), Labcorp
Classification: Uncertain significance for Immunodeficiency 39. Last evaluated: 2026-01-15. Review status: criteria provided, single submitter. Criteria: Invitae Variant Classification Sherloc (09022015). Collection method: clinical testing. Allele origin: germline.
Comment: This sequence change replaces alanine, which is neutral and non-polar, with threonine, which is neutral and polar, at codon 21 of the IRF7 protein (p.Ala21Thr). This variant is present in population databases (rs759529456, gnomAD 0.02%). This variant has not been reported in the literature in individuals affected with IRF7-related conditions. ClinVar contains an entry for this variant (Variation ID: 1465625). Invitae Evidence Modeling of protein sequence and biophysical properties (such as structural, functional, and spatial information, amino acid conservation, physicochemical variation, residue mobility, and thermodynamic stability) indicates that this missense variant is not expected to disrupt IRF7 protein function with a negative predictive value of 80%. In summary, the available evidence is currently insufficient to determine the role of this variant in disease. Therefore, it has been classified as a Variant of Uncertain Significance.